The following is an entry in ClinVar:

NM_021961.6(TEAD1):c.1168G>T (p.Val390Leu)

Gene: TEAD1 (TEA domain transcription factor 1; plus strand). Cytogenetic location: 11p15.3.
Variant type: single nucleotide variant.
Coding change: c.1168G>T on transcript NM_021961.6 (MANE Select); coding-DNA position 1168, G replaced by T.
Protein change: p.Val390Leu; replaces valine 390 with leucine.
Molecular consequence: missense variant.
Genome position (GRCh38, 1-based): chr11:12,937,109, G>T. VCF-style: chr11-12937109-G-T. GRCh37 (hg19) VCF-style: chr11-12958656-G-T.
Other names: short protein forms V390L.
Identifiers: ClinVar variation 1929522 (VCV001929522.5), dbSNP rs549211479, ClinGen allele CA5891844.

ClinVar aggregate classification (germline): Uncertain significance (1 of 4 stars; one submission).

Allele frequency attached by ClinVar (database versions not stated): TOPMed 0.00002.

Submission:

Labcorp Genetics (formerly Invitae), Labcorp
Classification: Uncertain significance. Last evaluated: 2022-11-01. Review status: criteria provided, single submitter. Criteria: Invitae Variant Classification Sherloc (09022015). Collection method: clinical testing. Allele origin: germline.
Comment: In summary, the available evidence is currently insufficient to determine the role of this variant in disease. Therefore, it has been classified as a Variant of Uncertain Significance. Algorithms developed to predict the effect of sequence changes on RNA splicing suggest that this variant may disrupt the consensus splice site. Algorithms developed to predict the effect of missense changes on protein structure and function are either unavailable or do not agree on the potential impact of this missense change (SIFT: "Tolerated"; PolyPhen-2: "Possibly Damaging"; Align-GVGD: "Class C0"). This variant has not been reported in the literature in individuals affected with TEAD1-related conditions. This variant is present in population databases (rs549211479, gnomAD 0.01%). This sequence change replaces valine, which is neutral and non-polar, with leucine, which is neutral and non-polar, at codon 390 of the TEAD1 protein (p.Val390Leu).